The following is an entry in ClinVar:

NM_002691.4(POLD1):c.2400_2401insAA (p.Tyr801fs)

Gene: POLD1 (DNA polymerase delta 1, catalytic subunit; plus strand). Cytogenetic location: 19q13.33.
Variant type: Insertion.
Coding change: c.2400_2401insAA on transcript NM_002691.4 (MANE Select); coding-DNA positions 2400 to 2401, AA inserted.
Protein change: p.Tyr801fs; shifts the reading frame from tyrosine 801.
Molecular consequence: frameshift variant. On other transcripts: non-coding transcript variant (1).
Genome position: GRCh38 VCF-style: chr19-50414825-C-CAA. GRCh37 (hg19) VCF-style: chr19-50918082-C-CAA.
Other names: c.2400_2401insAA, p.Tyr801fs (NM_001256849.1); c.2478_2479insAA, p.Tyr827fs (NM_001308632.1); short protein forms Y827fs, Y801fs.
Identifiers: ClinVar variation 2861410 (VCV002861410.3), dbSNP rs2514047006, ClinGen allele CA2739276974.
Genomic context (GRCh38, chr19:50,414,825, plus strand): 5'-TGGGGCTTGGCCTCCTCAGGCTCAGGGTCTTGGCCATGGCTCCCTCCCAGGTCTACTTCC[C>CAA]ATACCTGCTTATCAGCAAGAAGCGCTACGCGGGCCTGCTCTTCTCCTCCCGGCCCGACGC-3'

ClinVar aggregate classification (germline): Uncertain significance (1 of 4 stars; one submission).

Conditions:
POLD1-related polyposis and colorectal cancer syndrome (CRCS10). Also called: Colorectal cancer 10; COLORECTAL CANCER, SUSCEPTIBILITY TO, ON CHROMOSOME 19q; Colorectal cancer, susceptibility to, 10. Identifiers: Orphanet 220460, MedGen C2675481, MONDO:0012953, OMIM 612591.

Submission:

Labcorp Genetics (formerly Invitae), Labcorp
Classification: Uncertain significance for POLD1-related polyposis and colorectal cancer syndrome. Last evaluated: 2024-01-03. Review status: criteria provided, single submitter. Criteria: Invitae Variant Classification Sherloc (09022015). Collection method: clinical testing. Allele origin: germline.
Comment: This sequence change creates a premature translational stop signal (p.Tyr801Asnfs*88) in the POLD1 gene. It is expected to result in an absent or disrupted protein product. However, the current clinical and genetic evidence is not sufficient to establish whether loss-of-function variants in POLD1 cause disease. This variant is not present in population databases (gnomAD no frequency). This variant has not been reported in the literature in individuals affected with POLD1-related conditions. In summary, the available evidence is currently insufficient to determine the role of this variant in disease. Therefore, it has been classified as a Variant of Uncertain Significance.